The following is an entry in ClinVar:

NM_000094.4(COL7A1):c.767G>A (p.Ser256Asn)

Gene: COL7A1 (collagen type VII alpha 1 chain; minus strand). Cytogenetic location: 3p21.31.
Variant type: single nucleotide variant.
Coding change: c.767G>A on transcript NM_000094.4 (MANE Select); coding-DNA position 767, G replaced by A.
Protein change: p.Ser256Asn; replaces serine 256 with asparagine.
Molecular consequence: missense variant.
Genome position (GRCh38, 1-based): chr3:48,592,854, C>T on the plus strand (G>A on the coding strand, the complement: COL7A1 is on the minus strand). VCF-style: chr3-48592854-C-T. GRCh37 (hg19) VCF-style: chr3-48630287-C-T.
Other names: short protein forms S256N.
Identifiers: ClinVar variation 2098454 (VCV002098454.1), dbSNP rs755574496, ClinGen allele CA2381450.

ClinVar aggregate classification (germline): Uncertain significance (1 of 4 stars; one submission).

Allele frequency attached by ClinVar (database versions not stated): gnomAD exomes below 0.00001; ExAC 0.00001.
gnomAD v4.1: 3 of 1,613,984 alleles (0.00019%); highest among the groups gnomAD compares: Non-Finnish European, 0.00017%; no homozygotes.

Submission:

Labcorp Genetics (formerly Invitae), Labcorp
Classification: Uncertain significance. Last evaluated: 2022-02-18. Review status: criteria provided, single submitter. Criteria: Invitae Variant Classification Sherloc (09022015). Collection method: clinical testing. Allele origin: germline.
Comment: This sequence change replaces serine, which is neutral and polar, with asparagine, which is neutral and polar, at codon 256 of the COL7A1 protein (p.Ser256Asn). This variant is present in population databases (rs755574496, gnomAD 0.0009%). This variant has not been reported in the literature in individuals affected with COL7A1-related conditions. Advanced modeling of protein sequence and biophysical properties (such as structural, functional, and spatial information, amino acid conservation, physicochemical variation, residue mobility, and thermodynamic stability) performed at Invitae indicates that this missense variant is not expected to disrupt COL7A1 protein function. In summary, the available evidence is currently insufficient to determine the role of this variant in disease. Therefore, it has been classified as a Variant of Uncertain Significance.